The following is an entry in ClinVar:

NM_016156.6(MTMR2):c.1523T>C (p.Ile508Thr)

Gene: MTMR2 (myotubularin related protein 2; minus strand). Cytogenetic location: 11q21.
Variant type: single nucleotide variant.
Coding change: c.1523T>C on transcript NM_016156.6 (MANE Select); coding-DNA position 1523, T replaced by C.
Protein change: p.Ile508Thr; replaces isoleucine 508 with threonine.
Molecular consequence: missense variant.
Genome position (GRCh38, 1-based): chr11:95,838,164, A>G on the plus strand (T>C on the coding strand, the complement: MTMR2 is on the minus strand). VCF-style: chr11-95838164-A-G. GRCh37 (hg19) VCF-style: chr11-95571328-A-G.
Other names: c.1307T>C, p.Ile436Thr (NM_001243571.2, NM_201278.3, NM_201281.3); short protein forms I508T, I436T.
Identifiers: ClinVar variation 219937 (VCV000219937.8), dbSNP rs769280444, ClinGen allele CA348170.

ClinVar aggregate classification (germline): Uncertain significance. Review status: criteria provided, multiple submitters, no conflicts (2 of 4 stars). 3 submissions from 3 submitters: Uncertain significance (3). Last evaluated 2025-04-16.

Conditions:
Charcot-Marie-Tooth disease type 4. Also called: Charcot-Marie-Tooth disease, type IV; Charcot-Marie-Tooth, Type 4. Identifiers: Orphanet 64749, MedGen C4082197, MONDO:0018995.
Inborn genetic diseases. Identifiers: MedGen C0950123, MeSH D030342.

Allele frequency attached by ClinVar (database versions not stated): gnomAD exomes 0.00001 and 0.00002; ExAC 0.00002; gnomAD 0.00003; TOPMed 0.00003.
gnomAD v4.1: 14 of 1,611,086 alleles (0.00087%); highest among the groups gnomAD compares: African/African-American, 0.0027%; no homozygotes.

Submissions (3):

Ambry Genetics
Classification: Uncertain significance for Inborn genetic diseases. Last evaluated: 2025-04-16. Review status: criteria provided, single submitter. Criteria: Ambry Variant Classification Scheme 2023. Collection method: clinical testing. Allele origin: germline.

Athena Diagnostics
Classification: Uncertain significance. Last evaluated: 2023-08-07. Review status: criteria provided, single submitter. Criteria: Athena Diagnostics Criteria. Collection method: clinical testing. Allele origin: unknown.
Comment: Available data are insufficient to determine the clinical significance of the variant at this time. The frequency of this variant in the general population is uninformative in assessment of its pathogenicity. Computational tools predict that this variant is damaging.

Labcorp Genetics (formerly Invitae), Labcorp
Classification: Uncertain significance for Charcot-Marie-Tooth disease type 4. Last evaluated: 2021-08-28. Review status: criteria provided, single submitter. Criteria: Invitae Variant Classification Sherloc (09022015). Collection method: clinical testing. Allele origin: germline.
Comment: This sequence change replaces isoleucine with threonine at codon 508 of the MTMR2 protein (p.Ile508Thr). The isoleucine residue is highly conserved and there is a moderate physicochemical difference between isoleucine and threonine. This variant is present in population databases (rs769280444, ExAC 0.003%). This variant has not been reported in the literature in individuals affected with MTMR2-related conditions. ClinVar contains an entry for this variant (Variation ID: 219937). Algorithms developed to predict the effect of missense changes on protein structure and function (SIFT, PolyPhen-2, Align-GVGD) all suggest that this variant is likely to be disruptive. In summary, the available evidence is currently insufficient to determine the role of this variant in disease. Therefore, it has been classified as a Variant of Uncertain Significance.